The following is an entry in ClinVar:

ClinVar aggregate classification (germline): Uncertain significance (1 of 4 stars; one submission).

Submission:

GeneDx
Classification: Uncertain significance. Last evaluated: 2020-11-04. Review status: criteria provided, single submitter. Criteria: GeneDx Variant Classification Process June 2021. Collection method: clinical testing. Allele origin: germline. Affected: yes.
Comment: Not observed in large population cohorts (Lek et al., 2016); In silico analysis supports that this missense variant has a deleterious effect on protein structure/function; Has not been previously published as pathogenic or benign to our knowledge

NM_000503.6(EYA1):c.1543T>C (p.Tyr515His)

Gene: EYA1 (EYA transcriptional coactivator and phosphatase 1; minus strand). Cytogenetic location: 8q13.3.
Variant type: single nucleotide variant.
Coding change: c.1543T>C on transcript NM_000503.6 (MANE Select); coding-DNA position 1543, T replaced by C.
Protein change: p.Tyr515His; replaces tyrosine 515 with histidine.
Molecular consequence: missense variant.
Genome position (GRCh38, 1-based): chr8:71,215,441, A>G on the plus strand (T>C on the coding strand, the complement: EYA1 is on the minus strand). VCF-style: chr8-71215441-A-G. GRCh37 (hg19) VCF-style: chr8-72127676-A-G.
Other names: c.1525T>C, p.Tyr509His (NM_001288574.2, NM_172059.5); c.1177T>C, p.Tyr393His (NM_001288575.2); c.1630T>C, p.Tyr544His (NM_001370333.1); c.1543T>C, p.Tyr515His (NM_001370334.1, NM_001370335.1, NM_172058.4); c.1522T>C, p.Tyr508His (NM_001370336.1); short protein forms Y393H, Y508H, Y509H, Y515H, Y544H.
Identifiers: ClinVar variation 1205479 (VCV001205479.3), dbSNP rs2128850056, ClinGen allele CA371466168.